The following is an entry in ClinVar:

ClinVar aggregate classification (germline): Benign. Review status: criteria provided, multiple submitters, no conflicts (2 of 4 stars). 2 submissions from 2 submitters: Benign (2). Last evaluated 2025-08-16.

Conditions:
Congenital stromal corneal dystrophy (CSCD). Identifiers: Orphanet 101068, MedGen C1864738, MONDO:0012401, OMIM 610048.

Allele frequency attached by ClinVar (database versions not stated): gnomAD exomes 0.00103; ExAC 0.00115; ESP Exome Variant Server 0.00369; gnomAD 0.00425 and 0.00454; TOPMed 0.00451; 1000 Genomes Project 0.00639; 1000 Genomes Project 30x 0.00703.
gnomAD v4.1: 1,241 of 1,613,424 alleles (0.077%); highest among the groups gnomAD compares: African/African-American, 1.4%; 7 homozygotes.

Submissions (2):

Labcorp Genetics (formerly Invitae), Labcorp
Classification: Benign. Last evaluated: 2025-08-16. Review status: criteria provided, single submitter. Criteria: Invitae Variant Classification Sherloc (09022015). Collection method: clinical testing. Allele origin: germline.

Illumina Laboratory Services, Illumina
Classification: Benign for Congenital stromal corneal dystrophy. Last evaluated: 2018-01-12. Review status: criteria provided, single submitter. Criteria: ICSL Variant Classification Criteria 13 December 2019. Collection method: clinical testing. Allele origin: germline.
Comment: This variant was observed in the ICSL laboratory as part of a predisposition screen in an ostensibly healthy population. It had not been previously curated by ICSL or reported in the Human Gene Mutation Database (HGMD: prior to June 1st, 2018), and was therefore a candidate for classification through an automated scoring system. Utilizing variant allele frequency, disease prevalence and penetrance estimates, and inheritance mode, an automated score was calculated to assess if this variant is too frequent to cause the disease. Based on the score and internal cut-off values, a variant classified as benign is not then subjected to further curation. The score for this variant resulted in a classification of benign for this disease.

NM_001920.5(DCN):c.975G>A (p.Ser325=)

Gene: DCN (decorin; minus strand). Cytogenetic location: 12q21.33.
Variant type: single nucleotide variant.
Coding change: c.975G>A on transcript NM_001920.5 (MANE Select); coding-DNA position 975, G replaced by A.
Protein change: p.Ser325=; no amino-acid change (serine 325 retained).
Molecular consequence: synonymous variant. On other transcripts: 3 prime UTR variant (1).
Genome position (GRCh38, 1-based): chr12:91,146,163, C>T on the plus strand (G>A on the coding strand, the complement: DCN is on the minus strand). VCF-style: chr12-91146163-C-T. GRCh37 (hg19) VCF-style: chr12-91539940-C-T.
Other names: c.975G>A, p.Ser325= (NM_133503.4); c.648G>A, p.Ser216= (NM_133504.3); c.534G>A, p.Ser178= (NM_133505.3); c.414G>A, p.Ser138= (NM_133506.3); c.*73G>A (NM_133507.3).
Identifiers: ClinVar variation 310652 (VCV000310652.6), dbSNP rs80123678, ClinGen allele CA6716885.